The following is an entry in ClinVar:

ClinVar aggregate classification (germline): Benign/Likely benign. Review status: criteria provided, multiple submitters, no conflicts (2 of 4 stars). 2 submissions from 2 submitters: Benign (1); Likely benign (1). Last evaluated 2026-02-03.

Conditions:
Hereditary diffuse gastric adenocarcinoma (HDGC). Also called: DIFFUSE GASTRIC AND LOBULAR BREAST CANCER SYNDROME. Identifiers: Orphanet 26106, MedGen C1708349, MONDO:0007648, OMIM 137215.

Submissions (2):

Labcorp Genetics (formerly Invitae), Labcorp
Classification: Likely benign for Hereditary diffuse gastric adenocarcinoma. Last evaluated: 2026-02-03. Review status: criteria provided, single submitter. Criteria: Invitae Variant Classification Sherloc (09022015). Collection method: clinical testing. Allele origin: germline.

Myriad Genetics, Inc.
Classification: Benign for Hereditary diffuse gastric adenocarcinoma. Last evaluated: 2024-09-18. Review status: criteria provided, single submitter. Criteria: Myriad Autosomal Dominant, Autosomal Recessive and X-Linked Classification Criteria (2023). Collection method: clinical testing. Allele origin: unknown.
Comment: This variant is considered benign. This variant is a silent/synonymous amino acid change and it is not expected to impact splicing.

NM_004360.5(CDH1):c.1179C>A (p.Ile393=)

Gene: CDH1 (cadherin 1; plus strand). Cytogenetic location: 16q22.1.
Variant type: single nucleotide variant.
Coding change: c.1179C>A on transcript NM_004360.5 (MANE Select); coding-DNA position 1179, C replaced by A.
Protein change: p.Ile393=; no amino-acid change (isoleucine 393 retained).
Molecular consequence: synonymous variant. On other transcripts: 5 prime UTR variant (2), intron variant (1).
Genome position (GRCh38, 1-based): chr16:68,813,354, C>A. VCF-style: chr16-68813354-C-A. GRCh37 (hg19) VCF-style: chr16-68847257-C-A.
Other names: c.-437C>A (NM_001317185.2); c.-641C>A (NM_001317186.2); c.1137+1091C>A (NM_001317184.2).
Identifiers: ClinVar variation 1932315 (VCV001932315.6), dbSNP rs2152133374, ClinGen allele CA496392592.